The following is an entry in ClinVar:

NM_000426.4(LAMA2):c.5376A>T (p.Glu1792Asp)

Gene: LAMA2 (laminin subunit alpha 2; plus strand). Cytogenetic location: 6q22.33.
Variant type: single nucleotide variant.
Coding change: c.5376A>T on transcript NM_000426.4 (MANE Select); coding-DNA position 5376, A replaced by T.
Protein change: p.Glu1792Asp; replaces glutamic acid 1792 with aspartic acid.
Molecular consequence: missense variant.
Genome position (GRCh38, 1-based): chr6:129,393,186, A>T. VCF-style: chr6-129393186-A-T. GRCh37 (hg19) VCF-style: chr6-129714331-A-T.
Other names: c.5376A>T, p.Glu1792Asp (NM_001079823.2); short protein forms E1792D.
Identifiers: ClinVar variation 2199234 (VCV002199234.1), dbSNP rs2482737413, ClinGen allele CA365614865.

ClinVar aggregate classification (germline): Uncertain significance (1 of 4 stars; one submission).

Conditions:
LAMA2-related muscular dystrophy (LAMA2-RD). Also called: Laminin alpha 2-related dystrophy. Identifiers: MedGen C5679788, MONDO:0100228.

Allele frequency attached by ClinVar (database versions not stated): gnomAD exomes below 0.00001.
gnomAD v4.1: 2 of 1,614,114 alleles (0.00012%); highest among the groups gnomAD compares: Non-Finnish European, 0.00017%; no homozygotes.

Submission:

Labcorp Genetics (formerly Invitae), Labcorp
Classification: Uncertain significance for LAMA2-related muscular dystrophy. Last evaluated: 2021-03-08. Review status: criteria provided, single submitter. Criteria: Invitae Variant Classification Sherloc (09022015). Collection method: clinical testing. Allele origin: germline.
Comment: This sequence change replaces glutamic acid with aspartic acid at codon 1792 of the LAMA2 protein (p.Glu1792Asp). The glutamic acid residue is moderately conserved and there is a small physicochemical difference between glutamic acid and aspartic acid. This variant is not present in population databases (ExAC no frequency). This variant has not been reported in the literature in individuals with LAMA2-related disease. Algorithms developed to predict the effect of missense changes on protein structure and function output the following: SIFT: "Tolerated"; PolyPhen-2: "Benign"; Align-GVGD: "Class C0". The aspartic acid amino acid residue is found in multiple mammalian species, suggesting that this missense change does not adversely affect protein function. These predictions have not been confirmed by published functional studies and their clinical significance is uncertain. In summary, the available evidence is currently insufficient to determine the role of this variant in disease. Therefore, it has been classified as a Variant of Uncertain Significance.